The following is an entry in ClinVar:

ClinVar aggregate classification (germline): Uncertain significance (1 of 4 stars; one submission).

Conditions:
2-aminoadipic 2-oxoadipic aciduria (AAKAD). Also called: ALPHA-AMINOADIPIC AND ALPHA-KETOADIPIC ACIDURIA; Aminoadipic aciduria. Identifiers: Orphanet 79154, MedGen C1859817, MONDO:0008774, OMIM 204750.

Submission:

Labcorp Genetics (formerly Invitae), Labcorp
Classification: Uncertain significance for 2-aminoadipic 2-oxoadipic aciduria. Last evaluated: 2024-02-14. Review status: criteria provided, single submitter. Criteria: Invitae Variant Classification Sherloc (09022015). Collection method: clinical testing. Allele origin: germline.
Comment: This sequence change replaces methionine, which is neutral and non-polar, with lysine, which is basic and polar, at codon 563 of the DHTKD1 protein (p.Met563Lys). This variant is not present in population databases (gnomAD no frequency). This variant has not been reported in the literature in individuals affected with DHTKD1-related conditions. Advanced modeling of protein sequence and biophysical properties (such as structural, functional, and spatial information, amino acid conservation, physicochemical variation, residue mobility, and thermodynamic stability) performed at Invitae indicates that this missense variant is not expected to disrupt DHTKD1 protein function with a negative predictive value of 80%. In summary, the available evidence is currently insufficient to determine the role of this variant in disease. Therefore, it has been classified as a Variant of Uncertain Significance.

NM_018706.7(DHTKD1):c.1688T>A (p.Met563Lys)

Gene: DHTKD1 (dehydrogenase E1 and transketolase domain containing 1; plus strand). Cytogenetic location: 10p14.
Variant type: single nucleotide variant.
Coding change: c.1688T>A on transcript NM_018706.7 (MANE Select); coding-DNA position 1688, T replaced by A.
Protein change: p.Met563Lys; replaces methionine 563 with lysine.
Molecular consequence: missense variant.
Genome position (GRCh38, 1-based): chr10:12,100,194, T>A. VCF-style: chr10-12100194-T-A. GRCh37 (hg19) VCF-style: chr10-12142193-T-A.
Other names: short protein forms M563K.
Identifiers: ClinVar variation 3639600 (VCV003639600.2).